The following is an entry in ClinVar:

ClinVar aggregate classification (germline): Likely pathogenic (1 of 4 stars; one submission).

Conditions:
Congenital myasthenic syndrome 10. Also called: Myasthenia, limb-girdle, familial. Identifiers: Orphanet 590, MedGen C1850792, MONDO:0009690, OMIM 254300.
Fetal akinesia deformation sequence 3. Identifiers: MedGen C4760599, MONDO:0100103, OMIM 618389.

Submission:

Juno Genomics, Hangzhou Juno Genomics, Inc
Classification: Likely pathogenic for Fetal akinesia deformation sequence 3; Congenital myasthenic syndrome 10. Review status: criteria provided, single submitter. Criteria: ACMG Guidelines, 2015. Collection method: clinical testing. Allele origin: germline.
Comment: Null variant in a gene where loss of function (LOF) is a known mechanism of disease.;Absent from controls (or at extremely low frequency if recessive) in Genome Aggregation Database.

NM_173660.5(DOK7):c.703del (p.Ala235fs)

Genes: DOK7 (docking protein 7; plus strand), LOC129992118 (ATAC-STARR-seq lymphoblastoid silent region 15206; plus strand). Cytogenetic location: 4p16.3.
Variant type: Deletion.
Coding change: c.703del on transcript NM_173660.5 (MANE Select); coding-DNA position 703, one base deleted (G; older notation c.703delG).
Protein change: p.Ala235fs; shifts the reading frame from alanine 235.
Molecular consequence: frameshift variant. On other transcripts: 5 prime UTR variant (1).
Genome position (GRCh38, 1-based): chr4:3,489,727, G deleted. VCF-style (leftmost placement, unchanged base first): chr4-3489726-AG-A. GRCh37 (hg19) VCF-style: chr4-3491453-AG-A.
Other names: c.692del, p.Ser231fs (NM_001164673.2); c.-228del (NM_001256896.2); c.703del, p.Ala235fs (NM_001301071.2); c.271del, p.Ala91fs (NM_001363811.2); short protein forms A91fs, S231fs, A235fs.
Identifiers: ClinVar variation 5006769 (VCV005006769.2).